The following is an entry in ClinVar:

NM_001365536.1(SCN9A):c.378-1C>T

Gene: SCN9A (sodium voltage-gated channel alpha subunit 9; minus strand). Cytogenetic location: 2q24.3.
Variant type: single nucleotide variant.
Coding change: c.378-1C>T on transcript NM_001365536.1 (MANE Select); the canonical splice acceptor site of the intron before coding-DNA position 378, C replaced by T.
Molecular consequence: splice acceptor variant.
Genome position (GRCh38, 1-based): chr2:166,306,600, G>A on the plus strand (C>T on the coding strand, the complement: SCN9A is on the minus strand). VCF-style: chr2-166306600-G-A. GRCh37 (hg19) VCF-style: chr2-167163110-G-A.
Other names: c.378-1C>T (NM_002977.4).
Identifiers: ClinVar variation 1483931 (VCV001483931.10), dbSNP rs1309621904, ClinGen allele CA349095497.

ClinVar aggregate classification (germline): Likely pathogenic. Review status: criteria provided, multiple submitters, no conflicts (2 of 4 stars). 3 submissions from 3 submitters: Likely pathogenic (3). Last evaluated 2024-04-22.

Conditions:
SCN9A-related disorder. Also called: SCN9A-related condition; SCN9A-related disorders.
Generalized epilepsy with febrile seizures plus, type 7 (GEFSP7). Also called: GEFS+, TYPE 7. Identifiers: Orphanet 36387, MedGen C2751778, MONDO:0013470, OMIM 613863.
Neuropathy, hereditary sensory and autonomic, type 2A (HSAN2A). Also called: ACROOSTEOLYSIS, GIACCAI TYPE; ACROOSTEOLYSIS, NEUROGENIC; MORVAN DISEASE; NEUROPATHY, CONGENITAL SENSORY; NEUROPATHY, HEREDITARY SENSORY RADICULAR, AUTOSOMAL RECESSIVE; NEUROPATHY, HEREDITARY SENSORY, TYPE IIA. Identifiers: Orphanet 970, MedGen C2752089, MONDO:0024309, OMIM 201300.

Allele frequency attached by ClinVar (database versions not stated): gnomAD exomes below 0.00001.
gnomAD v4.1: 3 of 1,562,342 alleles (0.00019%); highest among the groups gnomAD compares: Admixed American, 0.0019%; no homozygotes.

Submissions (3):

Labcorp Genetics (formerly Invitae), Labcorp
Classification: Likely pathogenic for Neuropathy, hereditary sensory and autonomic, type 2A; Generalized epilepsy with febrile seizures plus, type 7. Last evaluated: 2024-04-22. Review status: criteria provided, single submitter. Criteria: Invitae Variant Classification Sherloc (09022015). Collection method: clinical testing. Allele origin: germline.
Comment: This sequence change affects an acceptor splice site in intron 3 of the SCN9A gene. It is expected to disrupt RNA splicing. Variants that disrupt the donor or acceptor splice site typically lead to a loss of protein function (PMID: 16199547), and loss-of-function variants in SCN9A are known to be pathogenic (PMID: 17470132, 19304393). This variant is not present in population databases (gnomAD no frequency). This variant has not been reported in the literature in individuals affected with SCN9A-related conditions. ClinVar contains an entry for this variant (Variation ID: 1483931). Experimental studies and prediction algorithms are not available or were not evaluated, and the effect of this variant on mRNA splicing is currently unknown. In summary, the currently available evidence indicates that the variant is pathogenic, but additional data are needed to prove that conclusively. Therefore, this variant has been classified as Likely Pathogenic.

Revvity Omics, Revvity
Classification: Likely pathogenic. Last evaluated: 2022-09-12. Review status: criteria provided, single submitter. Criteria: ACMG Guidelines, 2015. Collection method: clinical testing. Allele origin: germline.

Blueprint Genetics
Classification: Likely pathogenic for SCN9A-related disorders. Last evaluated: 2019-10-16. Review status: criteria provided, single submitter. Criteria: ACMG Guidelines, 2015. Collection method: clinical testing. Allele origin: germline. Affected: yes. Observed: 2 variant alleles.

Literature cited by the submitters: PubMed 16199547 (cited by Labcorp Genetics (formerly Invitae), Labcorp); PubMed 17470132 (cited by Labcorp Genetics (formerly Invitae), Labcorp); PubMed 19304393 (cited by Labcorp Genetics (formerly Invitae), Labcorp).